The following is an entry in ClinVar:

NM_000051.4(ATM):c.4964C>A (p.Ser1655Tyr)

Gene: ATM (ATM serine/threonine kinase; plus strand). Cytogenetic location: 11q22.3.
Variant type: single nucleotide variant.
Coding change: c.4964C>A on transcript NM_000051.4 (MANE Select); coding-DNA position 4964, C replaced by A.
Protein change: p.Ser1655Tyr; replaces serine 1655 with tyrosine.
Molecular consequence: missense variant.
Genome position (GRCh38, 1-based): chr11:108,297,341, C>A. VCF-style: chr11-108297341-C-A. GRCh37 (hg19) VCF-style: chr11-108168068-C-A.
Other names: c.4964C>A, p.Ser1655Tyr (NM_001351834.2); short protein forms S1655Y.
Identifiers: ClinVar variation 184002 (VCV000184002.27), dbSNP rs786201215, ClinGen allele CA187451.

ClinVar aggregate classification (germline): Conflicting classifications of pathogenicity. Review status: criteria provided, conflicting classifications (1 of 4 stars). 8 submissions from 8 submitters: Uncertain significance (5); Likely benign (2). 1 of the submissions does not count toward it. Last evaluated 2025-11-11.

Conditions:
Hereditary cancer-predisposing syndrome. Also called: Tumor predisposition; Hereditary Cancer Syndrome; Hereditary neoplastic syndrome; Neoplastic Syndromes, Hereditary. Identifiers: Orphanet 140162, MedGen C0027672, MeSH D009386, MONDO:0015356.
Familial cancer of breast. Also called: BREAST CANCER, FAMILIAL; hereditary breast carcinoma; Hereditary breast cancer. Identifiers: Orphanet 227535, MedGen C0346153, MONDO:0016419, OMIM 114480. Disease mechanism: loss of function.
Ataxia-telangiectasia syndrome (AT). Also called: LOUIS-BAR SYNDROME; Cerebello-oculocutaneous telangiectasia; Immunodeficiency with ataxia telangiectasia; ATAXIA-TELANGIECTASIA, COMPLEMENTATION GROUP A; ATAXIA-TELANGIECTASIA, FRESNO VARIANT; Ataxia-telangiectasia. Identifiers: Orphanet 100, MedGen C0004135, MONDO:0008840, OMIM 208900.

Allele frequency attached by ClinVar (database versions not stated): gnomAD exomes below 0.00001; TOPMed 0.00001; gnomAD 0.00002 and 0.00003.
gnomAD v4.1: 6 of 1,613,860 alleles (0.00037%); highest among the groups gnomAD compares: African/African-American, 0.0013%; no homozygotes.

Submissions (8):

Labcorp Genetics (formerly Invitae), Labcorp
Classification: Uncertain significance for Ataxia-telangiectasia syndrome. Last evaluated: 2025-11-11. Review status: criteria provided, single submitter. Criteria: Invitae Variant Classification Sherloc (09022015). Collection method: clinical testing. Allele origin: germline.
Comment: This sequence change replaces serine, which is neutral and polar, with tyrosine, which is neutral and polar, at codon 1655 of the ATM protein (p.Ser1655Tyr). The frequency data for this variant in the population databases is considered unreliable, as metrics indicate poor data quality at this position in the gnomAD database. This missense change has been observed in individual(s) with breast cancer and/or melanoma (PMID: 30374176, 34326862). ClinVar contains an entry for this variant (Variation ID: 184002). Invitae Evidence Modeling of protein sequence and biophysical properties (such as structural, functional, and spatial information, amino acid conservation, physicochemical variation, residue mobility, and thermodynamic stability) indicates that this missense variant is not expected to disrupt ATM protein function with a negative predictive value of 95%. In summary, the available evidence is currently insufficient to determine the role of this variant in disease. Therefore, it has been classified as a Variant of Uncertain Significance.

Myriad Genetics, Inc.
Classification: Likely benign for Familial cancer of breast. Last evaluated: 2024-05-21. Review status: criteria provided, single submitter. Criteria: Myriad Autosomal Dominant, Autosomal Recessive and X-Linked Classification Criteria (2023). Collection method: clinical testing. Allele origin: unknown.
Comment: This variant is considered likely benign. This variant is strongly associated with less severe personal and family histories of cancer, typical for individuals without pathogenic variants in this gene [PMID: 25085752].

Color Diagnostics, LLC DBA Color Health
Classification: Uncertain significance for Hereditary cancer-predisposing syndrome. Last evaluated: 2023-02-27. Review status: criteria provided, single submitter. Criteria: ACMG Guidelines, 2015. Collection method: clinical testing. Allele origin: germline.
Comment: This missense variant replaces serine with tyrosine at codon 1655 of the ATM protein. Computational prediction suggests that this variant may not impact protein structure and function (internally defined REVEL score threshold <= 0.5, PMID: 27666373). To our knowledge, functional studies have not been reported for this variant. This variant has not been reported in individuals affected with hereditary cancer in the literature. This variant has been identified in 1/251008 chromosomes in the general population by the Genome Aggregation Database (gnomAD). The available evidence is insufficient to determine the role of this variant in disease conclusively. Therefore, this variant is classified as a Variant of Uncertain Significance.

Women's Health and Genetics/Laboratory Corporation of America, LabCorp
Classification: Uncertain significance. Last evaluated: 2022-04-11. Review status: criteria provided, single submitter. Criteria: LabCorp Variant Classification Summary - May 2015. Collection method: clinical testing. Allele origin: germline.
Comment: Variant summary: ATM c.4964C>A (p.Ser1655Tyr) results in a non-conservative amino acid change in the encoded protein sequence. Three of five in-silico tools predict a damaging effect of the variant on protein function. The variant allele was found at a frequency of 4e-06 in 251008 control chromosomes (gnomAD). The available data on variant occurrences in the general population are insufficient to allow any conclusion about variant significance. To our knowledge, no experimental evidence demonstrating an impact on protein function has been reported. Four ClinVar submitters have assessed the variant since 2014: all classified the variant as of uncertain significance. Based on the evidence outlined above, the variant was classified as uncertain significance.

Ambry Genetics
Classification: Likely benign for Hereditary cancer-predisposing syndrome. Last evaluated: 2021-09-15. Review status: criteria provided, single submitter. Criteria: Ambry Variant Classification Scheme 2023. Collection method: clinical testing. Allele origin: germline.

Fulgent Genetics
Classification: Uncertain significance for Familial cancer of breast; Ataxia-telangiectasia syndrome. Last evaluated: 2021-07-27. Review status: criteria provided, single submitter. Criteria: ACMG Guidelines, 2015. Collection method: clinical testing. Allele origin: unknown.

GeneDx
Classification: Uncertain significance. Last evaluated: 2017-10-27. Review status: criteria provided, single submitter. Criteria: GeneDx Variant Classification (06012015). Collection method: clinical testing. Allele origin: germline. Affected: yes.
Comment: This variant is denoted ATM c.4964C>A at the cDNA level, p.Ser1655Tyr (S1655Y) at the protein level, and results in the change of a Serine to a Tyrosine (TCC>TAC). ATM Ser1655Tyr was not observed in large population cohorts (Lek 2016). Since Serine and Tyrosine differ in some properties, this is considered a semi-conservative amino acid substitution. ATM Ser1655Tyr occurs at a position that is not conserved and is not located in a known functional domain. In silico analyses are inconsistent regarding the effect this variant may have on protein structure and function. Based on currently available information, it is unclear whether ATM Ser1655Tyr is pathogenic or benign. We consider it to be a variant of uncertain significance.

Natera, Inc.
Classification: Uncertain significance for Ataxia-telangiectasia. Last evaluated: 2020-10-05. Review status: no assertion criteria provided. Collection method: clinical testing. Allele origin: germline. Not counted in ClinVar's aggregate classification.

Literature cited by the submitters: PubMed 30374176 (cited by Labcorp Genetics (formerly Invitae), Labcorp and Women's Health and Genetics/Laboratory Corporation of America, LabCorp); PubMed 34326862 (cited by Labcorp Genetics (formerly Invitae), Labcorp); PubMed 25085752 (cited by Myriad Genetics, Inc.); PubMed 27064202 (cited by Women's Health and Genetics/Laboratory Corporation of America, LabCorp).